The following is an entry in ClinVar:

NM_018419.3(SOX18):c.39C>T (p.Asp13=)

Gene: SOX18 (SRY-box transcription factor 18; minus strand). Cytogenetic location: 20q13.33.
Variant type: single nucleotide variant.
Coding change: c.39C>T on transcript NM_018419.3 (MANE Select); coding-DNA position 39, C replaced by T.
Protein change: p.Asp13=; no amino-acid change (aspartic acid 13 retained).
Molecular consequence: synonymous variant.
Genome position (GRCh38, 1-based): chr20:64,049,478, G>A on the plus strand (C>T on the coding strand, the complement: SOX18 is on the minus strand). VCF-style: chr20-64049478-G-A. GRCh37 (hg19) VCF-style: chr20-62680831-G-A.
Other names: c.39C>T (NM_018419.2).
Identifiers: ClinVar variation 2957853 (VCV002957853.5), dbSNP rs2059422135, ClinGen allele CA511667404.

ClinVar aggregate classification (germline): Likely benign. Review status: criteria provided, single submitter (1 of 4 stars). 2 submissions from 2 submitters: Likely benign (1). 1 of the submissions does not count toward it. Last evaluated 2025-07-10.

Conditions:
SOX18-related disorder. Also called: SOX18-related condition.

Allele frequency attached by ClinVar (database versions not stated): TOPMed 0.00002.

Submissions (2):

Labcorp Genetics (formerly Invitae), Labcorp
Classification: Likely benign. Last evaluated: 2025-07-10. Review status: criteria provided, single submitter. Criteria: Invitae Variant Classification Sherloc (09022015). Collection method: clinical testing. Allele origin: germline.

PreventionGenetics, part of Exact Sciences
Classification: Likely benign for SOX18-related condition. Last evaluated: 2022-06-10. Review status: no assertion criteria provided. Collection method: clinical testing. Allele origin: germline. Not counted in ClinVar's aggregate classification.
Comment: This variant is classified as likely benign based on ACMG/AMP sequence variant interpretation guidelines (Richards et al. 2015 PMID: 25741868, with internal and published modifications).